The following is an entry in ClinVar:

ClinVar aggregate classification (germline): Uncertain significance (1 of 4 stars; one submission).

Submission:

GeneDx
Classification: Uncertain significance. Last evaluated: 2024-12-04. Review status: criteria provided, single submitter. Criteria: GeneDx Variant Classification Process June 2021. Collection method: clinical testing. Allele origin: germline. Affected: yes.
Comment: Not observed at significant frequency in large population cohorts (gnomAD); In silico analysis supports that this missense variant has a deleterious effect on protein structure/function; Has not been previously published as pathogenic or benign to our knowledge

NM_001330700.2(TOP2B):c.3294A>C (p.Leu1098Phe)

Gene: TOP2B (DNA topoisomerase II beta; minus strand). Cytogenetic location: 3p24.2.
Variant type: single nucleotide variant.
Coding change: c.3294A>C on transcript NM_001330700.2 (MANE Select); coding-DNA position 3294, A replaced by C.
Protein change: p.Leu1098Phe; replaces leucine 1098 with phenylalanine.
Molecular consequence: missense variant.
Genome position (GRCh38, 1-based): chr3:25,618,475, T>G on the plus strand (A>C on the coding strand, the complement: TOP2B is on the minus strand). VCF-style: chr3-25618475-T-G. GRCh37 (hg19) VCF-style: chr3-25659966-T-G.
Other names: c.3279A>C, p.Leu1093Phe (NM_001068.3); short protein forms L1093F, L1098F.
Identifiers: ClinVar variation 3901791 (VCV003901791.1).